The following is an entry in ClinVar:

NM_001430.5(EPAS1):c.1240C>G (p.Leu414Val)

Gene: EPAS1 (endothelial PAS domain protein 1; plus strand). Cytogenetic location: 2p21.
Variant type: single nucleotide variant.
Coding change: c.1240C>G on transcript NM_001430.5 (MANE Select); coding-DNA position 1240, C replaced by G.
Protein change: p.Leu414Val; replaces leucine 414 with valine.
Molecular consequence: missense variant.
Genome position (GRCh38, 1-based): chr2:46,376,744, C>G. VCF-style: chr2-46376744-C-G. GRCh37 (hg19) VCF-style: chr2-46603883-C-G.
Other names: short protein forms L414V.
Identifiers: ClinVar variation 1758197 (VCV001758197.2), dbSNP rs1684758482, ClinGen allele CA346703476.

ClinVar aggregate classification (germline): Uncertain significance (1 of 4 stars; one submission).

Conditions:
Inborn genetic diseases. Identifiers: MedGen C0950123, MeSH D030342.

gnomAD v4.1: 1 of 1,612,302 alleles (0.000062%); no homozygotes.

Submission:

Ambry Genetics
Classification: Uncertain significance for Inborn genetic diseases. Last evaluated: 2023-09-22. Review status: criteria provided, single submitter. Criteria: Ambry Variant Classification Scheme 2023. Collection method: clinical testing. Allele origin: germline.
Comment: The p.L414V variant (also known as c.1240C>G), located in coding exon 9 of the EPAS1 gene, results from a C to G substitution at nucleotide position 1240. The leucine at codon 414 is replaced by valine, an amino acid with highly similar properties. This amino acid position is conserved. In addition, the in silico prediction for this alteration is inconclusive. Since supporting evidence is limited at this time, the clinical significance of this alteration remains unclear.